The following is an entry in ClinVar:

NM_000256.3(MYBPC3):c.3580dup (p.Ala1194fs)

Gene: MYBPC3 (myosin binding protein C3; minus strand). Cytogenetic location: 11p11.2.
Variant type: Duplication.
Coding change: c.3580dup on transcript NM_000256.3 (MANE Select); coding-DNA position 3580, one base duplicated (G; older notation c.3580dupG).
Protein change: p.Ala1194fs; shifts the reading frame from alanine 1194.
Molecular consequence: frameshift variant.
Genome position (GRCh38, 1-based): chr11:47,332,613, C duplicated on the plus strand (G on the coding strand, the reverse complement: MYBPC3 is on the minus strand). VCF-style (leftmost placement, unchanged base first): chr11-47332612-G-GC. GRCh37 (hg19) VCF-style: chr11-47354163-G-GC.
Other names: short protein forms A1194fs.
Identifiers: ClinVar variation 4856622 (VCV004856622.1).

ClinVar aggregate classification (germline): Pathogenic (1 of 4 stars; one submission).

Conditions:
Hypertrophic cardiomyopathy 4. Also called: Familial hypertrophic cardiomyopathy 4. Identifiers: MedGen C1861862, MONDO:0007268, OMIM 115197.

Submission:

Molecular Genetics Laboratory, Motol Hospital
Classification: Pathogenic for Hypertrophic cardiomyopathy 4. Last evaluated: 2026-06-04. Review status: criteria provided, single submitter. Criteria: ACMG Guidelines, 2015. Collection method: clinical testing. Allele origin: germline. Affected: yes. Observed: 2 variant alleles.
Comment: A rare variant not present in non-Finnish European population (PM2). Rare truncating variants in the MYBPC3 gene are associated with autosomal dominant familial hypertrophic cardiomyopathy (PVS1). The variant is classified as pathogenic.

Literature cited by the submitters: PubMed 31877118; PubMed 37445689; PubMed 11499719.